The following is an entry in ClinVar:

ClinVar aggregate classification (germline): Uncertain significance (1 of 4 stars; one submission).

Conditions:
Familial hemophagocytic lymphohistiocytosis 3 (FHL3). Also called: UNC13D-Related Familial Hemophagocytic Lymphohistiocytosis (UNC13D-fHLH). Identifiers: Orphanet 540, MedGen C1837174, MONDO:0012146, OMIM 608898.

gnomAD v4.1: 1 of 1,611,554 alleles (0.000062%); highest among the groups gnomAD compares: East Asian, 0.0022%; no homozygotes.

Submission:

Labcorp Genetics (formerly Invitae), Labcorp
Classification: Uncertain significance for Familial hemophagocytic lymphohistiocytosis 3. Last evaluated: 2022-03-01. Review status: criteria provided, single submitter. Criteria: Invitae Variant Classification Sherloc (09022015). Collection method: clinical testing. Allele origin: germline.
Comment: This sequence change affects codon 39 of the UNC13D mRNA. It is a 'silent' change, meaning that it does not change the encoded amino acid sequence of the UNC13D protein. This variant also falls at the last nucleotide of exon 1, which is part of the consensus splice site for this exon. The frequency data for this variant in the population databases is considered unreliable, as metrics indicate poor data quality at this position in the gnomAD database. This variant has not been reported in the literature in individuals affected with UNC13D-related conditions. Variants that disrupt the consensus splice site are a relatively common cause of aberrant splicing (PMID: 17576681, 9536098). Algorithms developed to predict the effect of sequence changes on RNA splicing suggest that this variant may disrupt the consensus splice site. In summary, the available evidence is currently insufficient to determine the role of this variant in disease. Therefore, it has been classified as a Variant of Uncertain Significance.

Literature cited by the submitters: PubMed 17576681; PubMed 9536098.

NM_199242.3(UNC13D):c.117G>A (p.Glu39=)

Gene: UNC13D (unc-13 homolog D; minus strand). Cytogenetic location: 17q25.1.
Variant type: single nucleotide variant.
Coding change: c.117G>A on transcript NM_199242.3 (MANE Select); coding-DNA position 117, G replaced by A.
Protein change: p.Glu39=; no amino-acid change (glutamic acid 39 retained).
Molecular consequence: synonymous variant.
Genome position (GRCh38, 1-based): chr17:75,844,221, C>T on the plus strand (G>A on the coding strand, the complement: UNC13D is on the minus strand). VCF-style: chr17-75844221-C-T. GRCh37 (hg19) VCF-style: chr17-73840302-C-T.
Identifiers: ClinVar variation 2175249 (VCV002175249.1), dbSNP rs1386789985, ClinGen allele CA501849469.